The following is an entry in ClinVar:

NM_022369.4(STRA6):c.598-256CTC[2]

Gene: STRA6 (signaling receptor and transporter of retinol STRA6; minus strand). Cytogenetic location: 15q24.1.
Variant type: Microsatellite.
Coding change: c.598-256CTC[2] on transcript NM_022369.4 (MANE Select); two copies in a row of the 3-base unit CTC starting at c.598-256; the reference has three copies in a row; one copy, 3 bases deleted.
Molecular consequence: intron variant.
Genome position (GRCh38, 1-based): chr15:74,194,170-74,194,172, GAG deleted on the plus strand (CTC on the coding strand, the reverse complement: STRA6 is on the minus strand); deleting any 3 consecutive bases within chr15:74,194,170-74,194,178 gives the same sequence; the position shown is the placement nearest the transcript's 3' end. VCF-style (leftmost placement, unchanged base first): chr15-74194169-AGAG-A. GRCh37 (hg19) VCF-style: chr15-74486510-AGAG-A.
Other names: c.709-256CTC[2] (NM_001199040.2); c.571-256CTC[2] (NM_001142619.2); c.598-256CTC[2] (NM_001142617.2, NM_001142618.2); c.643-256CTC[2] (NM_001199041.2); c.715-256CTC[2] (NM_001199042.2).
Identifiers: ClinVar variation 674010 (VCV000674010.1), dbSNP rs3842339, ClinGen allele CA272757867.

ClinVar aggregate classification (germline): Benign (1 of 4 stars; one submission).

Submission:

GeneDx
Classification: Benign. Last evaluated: 2018-06-19. Review status: criteria provided, single submitter. Criteria: GeneDx Variant Classification (06012015). Collection method: clinical testing. Allele origin: germline. Affected: yes.
Comment: This variant is considered likely benign or benign based on one or more of the following criteria: it is a conservative change, it occurs at a poorly conserved position in the protein, it is predicted to be benign by multiple in silico algorithms, and/or has population frequency not consistent with disease.